The following is an entry in ClinVar:

NM_023036.6(DNAI2):c.1108del (p.Leu370fs)

Gene: DNAI2 (dynein axonemal intermediate chain 2; plus strand). Cytogenetic location: 17q25.1.
Variant type: Deletion.
Coding change: c.1108del on transcript NM_023036.6 (MANE Select); coding-DNA position 1108, one base deleted (C; older notation c.1108delC).
Protein change: p.Leu370fs; shifts the reading frame from leucine 370.
Molecular consequence: frameshift variant. On other transcripts: non-coding transcript variant (1).
Genome position (GRCh38, 1-based): chr17:74,305,339, C deleted; the last of 3 consecutive C bases (chr17:74,305,337-74,305,339); deleting any one gives the same sequence. VCF-style (leftmost placement, unchanged base first): chr17-74305336-GC-G. GRCh37 (hg19) VCF-style: chr17-72301475-GC-G.
Other names: c.1108del, p.Leu370fs (NM_001172810.3, NM_001353167.2); short protein forms L370fs.
Identifiers: ClinVar variation 5013291 (VCV005013291.1).

ClinVar aggregate classification (germline): Pathogenic (1 of 4 stars; one submission).

Conditions:
Primary ciliary dyskinesia 9. Also called: CILIARY DYSKINESIA, PRIMARY, 9, WITH OR WITHOUT SITUS INVERSUS. Identifiers: Orphanet 244, MedGen C2676235, MONDO:0012906, OMIM 612444.

Submission:

Myriad Genetics, Inc.
Classification: Pathogenic for Primary ciliary dyskinesia 9. Last evaluated: 2024-07-06. Review status: criteria provided, single submitter. Criteria: Myriad Autosomal Dominant, Autosomal Recessive and X-Linked Classification Criteria (2023). Collection method: clinical testing. Allele origin: unknown.
Comment: NM_023036.4(DNAI2):c.1108delC(L370Sfs*12) is expected to be pathogenic in the context of primary ciliary dyskinesia, DNAI2-related. This variant is predicted to lead to an abnormal or absent protein product due to the creation of a premature termination codon in DNAI2, a gene where loss-of-function variants are known to be pathogenic. Please note: this variant was assessed in the context of healthy population screening.